The following is an entry in ClinVar:

ClinVar aggregate classification (germline): Pathogenic. Review status: criteria provided, multiple submitters, no conflicts (2 of 4 stars). 4 submissions from 4 submitters: Pathogenic (2). 2 of the submissions do not count toward it. Last evaluated 2022-08-31.

Conditions:
VHL-related disorder. Also called: VHL-related condition.
Von Hippel-Lindau syndrome (VHLS). Also called: Von Hippel-Lindau; von Hippel–Lindau syndrome; VHL syndrome. Identifiers: Orphanet 892, MedGen C0019562, MONDO:0008667, OMIM 193300. Disease mechanism: loss of function.
Chuvash polycythemia. Also called: POLYCYTHEMIA, VHL-DEPENDENT. Identifiers: Orphanet 238557, MedGen C1837915, MONDO:0009892, OMIM 263400.
Hereditary cancer-predisposing syndrome. Also called: Tumor predisposition; Hereditary neoplastic syndrome; Neoplastic Syndromes, Hereditary; Hereditary Cancer Syndrome. Identifiers: Orphanet 140162, MedGen C0027672, MeSH D009386, MONDO:0015356.

Submissions (4):

Labcorp Genetics (formerly Invitae), Labcorp
Classification: Pathogenic for Von Hippel-Lindau syndrome; Chuvash polycythemia. Last evaluated: 2022-08-31. Review status: criteria provided, single submitter. Criteria: Invitae Variant Classification Sherloc (09022015). Collection method: clinical testing. Allele origin: germline.
Comment: For these reasons, this variant has been classified as Pathogenic. This variant disrupts the p.Arg107 amino acid residue in VHL. Other variant(s) that disrupt this residue have been determined to be pathogenic (PMID: 12000816, 12624160, 21362373, 22799452; Invitae). This suggests that this residue is clinically significant, and that variants that disrupt this residue are likely to be disease-causing. Advanced modeling of protein sequence and biophysical properties (such as structural, functional, and spatial information, amino acid conservation, physicochemical variation, residue mobility, and thermodynamic stability) performed at Invitae indicates that this missense variant is expected to disrupt VHL protein function. ClinVar contains an entry for this variant (Variation ID: 223184). This missense change has been observed in individuals with VHL-related conditions (PMID: 12202531, 19336503; external communication). It has also been observed to segregate with disease in related individuals. This variant is not present in population databases (gnomAD no frequency). This sequence change replaces arginine, which is basic and polar, with histidine, which is basic and polar, at codon 107 of the VHL protein (p.Arg107His).

Ambry Genetics
Classification: Pathogenic for Hereditary cancer-predisposing syndrome. Last evaluated: 2015-08-13. Review status: criteria provided, single submitter. Criteria: Ambry Autosomal Dominant and X-Linked criteria (10/2015). Collection method: clinical testing. Allele origin: germline. Observed: 1 variant allele.
Comment: The p.R107H pathogenic mutation (also known as c.320G>A), located in coding exon 1 of the VHL gene, results from a G to A substitution at nucleotide position 320. The arginine at codon 107 is replaced by histidine, an amino acid with highly similar properties. In addition, three other alterations at the same codon (p.R107C, p.R107P and p.R107G) have been associated with VHL and pheochromocytoma(DandanellM et al.BMC Med. Genet. 2012 ; 13():54;Siu WK et al.Chin. Med. J. 2011 Jan; 124(2):237-41;StolleC et al.Hum.Mutat. 1998;12(6):417-23). Based on the available evidence to date, p.R107H is classified as a pathogenic mutation.<br />

PreventionGenetics, part of Exact Sciences
Classification: Pathogenic for VHL-related condition. Last evaluated: 2023-12-02. Review status: no assertion criteria provided. Collection method: clinical testing. Allele origin: germline. Not counted in ClinVar's aggregate classification.
Comment: The VHL c.320G>A variant is predicted to result in the amino acid substitution p.Arg107His. This variant was reported in an individual with Von Hippel-Lindau syndrome (Dollfus et al 2002. PubMed ID: 12202531). Other missense changes at the same amino acid position, p.Arg107Pro, p.Arg107His, and p.Arg107Gly have all been reported in patients with Von Hippel-Lindau syndrome (Rocha JC et al 2003. PubMed ID: 12624160; Boedeker CC et al 2009. PubMed ID: 19336503; Stolle C et al 1998. PubMed ID: 9829911; Neumann HP et al 2002. PubMed ID: 12000816). This variant has not been reported in a large population database, indicating this variant is rare. This variant is interpreted as pathogenic.

Genomic Diagnostic Laboratory, Division of Genomic Diagnostics, Children's Hospital of Philadelphia
Classification: Likely pathogenic for Von Hippel-Lindau syndrome. Last evaluated: 2016-02-26. Review status: no assertion criteria provided. Collection method: clinical testing. Allele origin: germline. Affected: yes. Observed: 3 variant alleles. Not counted in ClinVar's aggregate classification.

Literature cited by the submitters: PubMed 12000816 (cited by Labcorp Genetics (formerly Invitae), Labcorp); PubMed 12624160 (cited by Labcorp Genetics (formerly Invitae), Labcorp); PubMed 21362373 (cited by Labcorp Genetics (formerly Invitae), Labcorp and Ambry Genetics); PubMed 22799452 (cited by Labcorp Genetics (formerly Invitae), Labcorp and Ambry Genetics); PubMed 12202531 (cited by Labcorp Genetics (formerly Invitae), Labcorp and Ambry Genetics); PubMed 19336503 (cited by Labcorp Genetics (formerly Invitae), Labcorp and Ambry Genetics); PubMed 9829911 (cited by Ambry Genetics).

NM_000551.4(VHL):c.320G>A (p.Arg107His)

Gene: VHL (von Hippel-Lindau tumor suppressor; plus strand). Cytogenetic location: 3p25.3.
Variant type: single nucleotide variant.
Coding change: c.320G>A on transcript NM_000551.4 (MANE Select); coding-DNA position 320, G replaced by A.
Protein change: p.Arg107His; replaces arginine 107 with histidine.
Molecular consequence: missense variant.
Genome position (GRCh38, 1-based): chr3:10,142,167, G>A. VCF-style: chr3-10142167-G-A. GRCh37 (hg19) VCF-style: chr3-10183851-G-A.
Other names: c.320G>A, p.Arg107His (NM_001354723.2, NM_198156.3); short protein forms R107H.
Identifiers: ClinVar variation 223184 (VCV000223184.12), dbSNP rs193922609, ClinGen allele CA357135.
Genomic context (GRCh38, chr3:10,142,167, plus strand): 5'-TATGGCTCAACTTCGACGGCGAGCCGCAGCCCTACCCAACGCTGCCGCCTGGCACGGGCC[G>A]CCGCATCCACAGCTACCGAGGTACGGGCCCGGCGCTTAGGCCCGACCCAGCAGGGACGAT-3'
Protein context (NP_000542.1, residues 97-117): PYPTLPPGTG[Arg107His]RIHSYRGHLW